The following is an entry in ClinVar:

NC_000009.11:g.(?_119449583)_(119463579_?)del

Genes: ASTN2 (astrotactin 2; minus strand), TRIM32 (tripartite motif containing 32; plus strand). Cytogenetic location: 9q33.1.
Variant type: Deletion.
Identifiers: ClinVar variation 3769251 (VCV003769251.2).

ClinVar aggregate classification (germline): Pathogenic (1 of 4 stars; one submission).

Conditions:
Sarcotubular myopathy (LGMDR8). Also called: Hutterite type of muscular dystrophy; MUSCULAR DYSTROPHY, LIMB-GIRDLE, AUTOSOMAL RECESSIVE 8; Autosomal recessive limb-girdle muscular dystrophy type 2H; Limb-girdle muscular dystrophy, type 2H. Identifiers: Orphanet 1878, MedGen C0270968, MONDO:0009683, OMIM 254110.

Submission:

Women's Health and Genetics/Laboratory Corporation of America, LabCorp
Classification: Pathogenic for Sarcotubular myopathy. Last evaluated: 2025-01-06. Review status: criteria provided, single submitter. Criteria: LabCorp Variant Classification Summary - May 2015. Collection method: clinical testing. Allele origin: germline.
Comment: Variant summary: The variant involves the deletion of exons 1-2 in the TRIM32 gene. A presumed nomenclature of c.(?_-159)_(*1596_?)del has been designated for the purposes of this classification. This deletion includes the entire coding sequence of the gene. As the exact proximal and distal breakpoints are unknown, it may extend beyond the annotated region of the gene to include other flanking genes. A similar deletion that includes the TRIM32 gene, and extends upstream about 27 kbp was found at a frequency of 4.6e-05 (i.e. 1 allele) in 21590 control chromosomes (gnomAD structural variants dataset). While the exact c.(?_-159)_(*1596_?)del has not been reported, full deletion of the TRIM32 gene has been reported in the literature in homozygous and compound heterozygous individuals affected with Limb-Girdle Muscular Dystrophy, Autosomal Recessive (Nectoux_2015, Neri_2013). These data indicate that the variantis very likely to be associated with disease. To our knowledge, no experimental evidence demonstrating an impact on protein function has been reported. The following publications have been ascertained in the context of this evaluation (PMID: 25351777, 23541687). ClinVar contains an entry for this variant (Variation ID: 1878371). Based on the evidence outlined above, the variant was classified as pathogenic.

Literature cited by the submitters: PubMed 25351777; PubMed 23541687.